The following is an entry in ClinVar:

NM_001605.3(AARS1):c.967G>T (p.Val323Leu)

Gene: AARS1 (alanyl-tRNA synthetase 1; minus strand). Cytogenetic location: 16q22.1.
Variant type: single nucleotide variant.
Coding change: c.967G>T on transcript NM_001605.3 (MANE Select); coding-DNA position 967, G replaced by T.
Protein change: p.Val323Leu; replaces valine 323 with leucine.
Molecular consequence: missense variant.
Genome position (GRCh38, 1-based): chr16:70,268,375, C>A on the plus strand (G>T on the coding strand, the complement: AARS1 is on the minus strand). VCF-style: chr16-70268375-C-A. GRCh37 (hg19) VCF-style: chr16-70302278-C-A.
Other names: c.967G>T (NM_001605.2); short protein forms V323L.
Identifiers: ClinVar variation 1682261 (VCV001682261.9), dbSNP rs2152160767, ClinGen allele CA396564287.

ClinVar aggregate classification (germline): Uncertain significance. Review status: criteria provided, multiple submitters, no conflicts (2 of 4 stars). 2 submissions from 2 submitters: Uncertain significance (2). Last evaluated 2026-04-28.

Conditions:
AARS1-related disorder. Also called: AARS1-related condition.
Charcot-Marie-Tooth disease type 2. Also called: Charcot-Marie-Tooth type 2. Identifiers: Orphanet 64746, MedGen C0270914, MONDO:0018993.

gnomAD v4.1: 5 of 1,614,076 alleles (0.00031%); highest among the groups gnomAD compares: Non-Finnish European, 0.00042%; no homozygotes.

Submissions (2):

PreventionGenetics, part of Exact Sciences
Classification: Uncertain significance for AARS1-related condition. Last evaluated: 2026-04-28. Review status: criteria provided, single submitter. Criteria: ACMG Guidelines, 2015. Collection method: clinical testing. Allele origin: germline.
Comment: The AARS1 c.967G>T variant is predicted to result in the amino acid substitution p.Val323Leu. To our knowledge, this variant has not been reported in the literature or in a large population database (gnomAD), indicating this variant is rare. At this time, the clinical significance of this variant is uncertain due to the absence of conclusive functional and genetic evidence.

Labcorp Genetics (formerly Invitae), Labcorp
Classification: Uncertain significance for Charcot-Marie-Tooth disease type 2. Last evaluated: 2021-05-03. Review status: criteria provided, single submitter. Criteria: Invitae Variant Classification Sherloc (09022015). Collection method: clinical testing. Allele origin: germline.
Comment: In summary, the available evidence is currently insufficient to determine the role of this variant in disease. Therefore, it has been classified as a Variant of Uncertain Significance. Algorithms developed to predict the effect of missense changes on protein structure and function are either unavailable or do not agree on the potential impact of this missense change (SIFT: "Deleterious"; PolyPhen-2: "Probably Damaging"; Align-GVGD: "Class C0"). This variant has not been reported in the literature in individuals with AARS-related conditions. This variant is not present in population databases (ExAC no frequency). This sequence change replaces valine with leucine at codon 323 of the AARS protein (p.Val323Leu). The valine residue is highly conserved and there is a small physicochemical difference between valine and leucine.